The following is an entry in ClinVar:

NM_017780.4(CHD7):c.1007A>G (p.Asn336Ser)

Gene: CHD7 (chromodomain helicase DNA binding protein 7; plus strand). Cytogenetic location: 8q12.2.
Variant type: single nucleotide variant.
Coding change: c.1007A>G on transcript NM_017780.4 (MANE Select); coding-DNA position 1007, A replaced by G.
Protein change: p.Asn336Ser; replaces asparagine 336 with serine.
Molecular consequence: missense variant.
Genome position (GRCh38, 1-based): chr8:60,742,439, A>G. VCF-style: chr8-60742439-A-G. GRCh37 (hg19) VCF-style: chr8-61654998-A-G.
Other names: c.1007A>G, p.Asn336Ser (NM_001316690.1); short protein forms N336S.
Identifiers: ClinVar variation 4802744 (VCV004802744.1).

ClinVar aggregate classification (germline): Uncertain significance (1 of 4 stars; one submission).

Conditions:
CHARGE syndrome (CHARGE). Also called: Hittner Hirsch Kreh syndrome; CHARGE ASSOCIATION--COLOBOMA, HEART ANOMALY, CHOANAL ATRESIA, RETARDATION, GENITAL AND EAR ANOMALIES; Coloboma, heart anomaly, choanal atresia, retardation, genital and ear anomalies; CHARGE association; Hall-Hittner syndrome. Identifiers: Orphanet 138, MedGen C0265354, MONDO:0008965.

Submission:

Labcorp Genetics (formerly Invitae), Labcorp
Classification: Uncertain significance for CHARGE syndrome. Last evaluated: 2025-10-02. Review status: criteria provided, single submitter. Criteria: Invitae Variant Classification Sherloc (09022015). Collection method: clinical testing. Allele origin: germline.
Comment: This sequence change replaces asparagine, which is neutral and polar, with serine, which is neutral and polar, at codon 336 of the CHD7 protein (p.Asn336Ser). This variant is not present in population databases (gnomAD no frequency). This variant has not been reported in the literature in individuals affected with CHD7-related conditions. Invitae Evidence Modeling of protein sequence and biophysical properties (such as structural, functional, and spatial information, amino acid conservation, physicochemical variation, residue mobility, and thermodynamic stability) indicates that this missense variant is not expected to disrupt CHD7 protein function with a negative predictive value of 95%. In summary, the available evidence is currently insufficient to determine the role of this variant in disease. Therefore, it has been classified as a Variant of Uncertain Significance.